The following is an entry in ClinVar:

NM_014028.4(OSTM1):c.402_402+1dup

Gene: OSTM1 (osteoclastogenesis associated transmembrane protein 1; minus strand). Cytogenetic location: 6q21.
Variant type: Duplication.
Coding change: c.402_402+1dup on transcript NM_014028.4 (MANE Select); coding-DNA position 402 through the canonical splice donor site of the intron after coding-DNA position 402, 2 bases duplicated (GG; older notation c.402_402+1dupGG).
Molecular consequence: splice donor variant.
Genome position (GRCh38, 1-based): chr6:108,074,249-108,074,250, CC duplicated on the plus strand (GG on the coding strand, the reverse complement: OSTM1 is on the minus strand); duplicating any 2 consecutive bases within chr6:108,074,249-108,074,253 gives the same sequence; the c. name uses the placement nearest the transcript's 3' end. VCF-style (leftmost placement, unchanged base first): chr6-108074248-A-ACC. GRCh37 (hg19) VCF-style: chr6-108395452-A-ACC.
Identifiers: ClinVar variation 2767207 (VCV002767207.3), dbSNP rs2482241074, ClinGen allele CA2697553644.

ClinVar aggregate classification (germline): Pathogenic (1 of 4 stars; one submission).

Submission:

Labcorp Genetics (formerly Invitae), Labcorp
Classification: Pathogenic. Last evaluated: 2024-01-12. Review status: criteria provided, single submitter. Criteria: Invitae Variant Classification Sherloc (09022015). Collection method: clinical testing. Allele origin: germline.
Comment: This sequence change creates a premature translational stop signal (Splice site) in the OSTM1 gene. It is expected to result in an absent or disrupted protein product. Loss-of-function variants in OSTM1 are known to be pathogenic (PMID: 12627228, 15108279, 16813530). This variant is not present in population databases (gnomAD no frequency). This variant has not been reported in the literature in individuals affected with OSTM1-related conditions. This variant is also known as c.402_402+1dup. Algorithms developed to predict the effect of sequence changes on RNA splicing suggest that this variant may disrupt the consensus splice site. For these reasons, this variant has been classified as Pathogenic.

Literature cited by the submitters: PubMed 12627228; PubMed 15108279; PubMed 16813530.